The following is an entry in ClinVar:

NM_002185.5(IL7R):c.537G>A (p.Thr179=)

Gene: IL7R (interleukin 7 receptor; plus strand). Cytogenetic location: 5p13.2.
Variant type: single nucleotide variant.
Coding change: c.537G>A on transcript NM_002185.5 (MANE Select); coding-DNA position 537, G replaced by A.
Protein change: p.Thr179=; no amino-acid change (threonine 179 retained).
Molecular consequence: synonymous variant. On other transcripts: non-coding transcript variant (1).
Genome position (GRCh38, 1-based): chr5:35,871,213, G>A. VCF-style: chr5-35871213-G-A. GRCh37 (hg19) VCF-style: chr5-35871315-G-A.
Identifiers: ClinVar variation 850235 (VCV000850235.7), dbSNP rs758320927, ClinGen allele CA3231999.

ClinVar aggregate classification (germline): Uncertain significance (1 of 4 stars; one submission).

Conditions:
Immunodeficiency 104. Also called: IMMUNODEFICIENCY 104, SEVERE COMBINED; SCID, AUTOSOMAL RECESSIVE, T CELL-NEGATIVE, B CELL-POSITIVE, NK CELL-POSITIVE; Severe Combined Immune Deficiency, Autosomal Recessive, TCell -Negative, B Cell-Positive, NK Cell-Positive, IL7R-Related; Severe combined immunodeficiency, autosomal recessive, T cell-negative, B cell-positive, NK cell-positive. Identifiers: MedGen C5676890, MONDO:0012163, OMIM 608971.

Allele frequency attached by ClinVar (database versions not stated): gnomAD exomes 0.00001; ExAC 0.00002; TOPMed 0.00003; gnomAD 0.00004.
gnomAD v4.1: 24 of 1,608,032 alleles (0.0015%); highest among the groups gnomAD compares: African/African-American, 0.0094%; no homozygotes.

Submissions (3):

Labcorp Genetics (formerly Invitae), Labcorp
Classification: Uncertain significance for Immunodeficiency 104. Last evaluated: 2025-01-15. Review status: criteria provided, single submitter. Criteria: Invitae Variant Classification Sherloc (09022015). Collection method: clinical testing. Allele origin: germline.
Comment: This sequence change affects codon 179 of the IL7R mRNA. It is a 'silent' change, meaning that it does not change the encoded amino acid sequence of the IL7R protein. This variant also falls at the last nucleotide of exon 4, which is part of the consensus splice site for this exon. This variant is present in population databases (rs758320927, gnomAD 0.004%). This variant has not been reported in the literature in individuals affected with IL7R-related conditions. ClinVar contains an entry for this variant (Variation ID: 850235). Variants that disrupt the consensus splice site are a relatively common cause of aberrant splicing (PMID: 17576681, 9536098). Algorithms developed to predict the effect of sequence changes on RNA splicing suggest that this variant may disrupt the consensus splice site. In summary, the available evidence is currently insufficient to determine the role of this variant in disease. Therefore, it has been classified as a Variant of Uncertain Significance.

Dr. Peter K. Rogan Lab, Western University
No classification provided (evidence only). Condition: Sarcoma. Review status: no classification provided. Collection method: in vitro. Allele origin: not applicable. Functional consequence: retained intron. Not counted in ClinVar's aggregate classification.

Dr. Peter K. Rogan Lab, Western University
No classification provided (evidence only). Condition: Ovarian serous cystadenocarcinoma. Review status: no classification provided. Collection method: in vitro. Allele origin: not applicable. Functional consequence: retained intron. Not counted in ClinVar's aggregate classification.

Literature cited by the submitters: PubMed 17576681 (cited by Labcorp Genetics (formerly Invitae), Labcorp); PubMed 9536098 (cited by Labcorp Genetics (formerly Invitae), Labcorp).